The following is an entry in ClinVar:

NM_001161352.2(KCNMA1):c.2795A>G (p.Asn932Ser)

Genes: KCNMA1-AS1 (KCNMA1 antisense RNA 1; plus strand), KCNMA1 (potassium calcium-activated channel subfamily M alpha 1; minus strand). Cytogenetic location: 10q22.3.
Variant type: single nucleotide variant.
Coding change: c.2795A>G on transcript NM_001161352.2 (MANE Select); coding-DNA position 2795, A replaced by G.
Protein change: p.Asn932Ser; replaces asparagine 932 with serine.
Molecular consequence: missense variant.
Genome position (GRCh38, 1-based): chr10:76,944,880, T>C on the plus strand (A>G on the coding strand, the complement: KCNMA1 is on the minus strand). VCF-style: chr10-76944880-T-C. GRCh37 (hg19) VCF-style: chr10-78704638-T-C.
Other names: c.2633A>G, p.Asn878Ser (NM_001014797.3, NM_001322835.2, NM_001322837.2); c.2744A>G, p.Asn915Ser (NM_001161353.2); c.2471A>G, p.Asn824Ser (NM_001271518.2); c.2630A>G, p.Asn877Ser (NM_001271519.2, NM_001322829.2, NM_001322836.2); c.2642A>G, p.Asn881Ser (NM_001322830.2); c.2621A>G, p.Asn874Ser (NM_001322832.2, NM_001410940.1, NM_002247.4); c.2168A>G, p.Asn723Ser (NM_001322838.2); short protein forms N915S, N723S, N874S, N877S, N824S, N878S, N881S, N932S.
Identifiers: ClinVar variation 2857882 (VCV002857882.3), dbSNP rs2549939213, ClinGen allele CA377405516.

ClinVar aggregate classification (germline): Uncertain significance (1 of 4 stars; one submission).

Conditions:
Generalized epilepsy-paroxysmal dyskinesia syndrome (PNKD3). Also called: Generalized epilepsy and paroxysmal dyskinesia; Paroxysmal nonkinesigenic dyskinesia, 3, with or without generalized epilepsy. Identifiers: Orphanet 79137, MedGen C5574945, MONDO:0012276, OMIM 609446.

Submission:

Labcorp Genetics (formerly Invitae), Labcorp
Classification: Uncertain significance for Generalized epilepsy-paroxysmal dyskinesia syndrome. Last evaluated: 2023-10-13. Review status: criteria provided, single submitter. Criteria: Invitae Variant Classification Sherloc (09022015). Collection method: clinical testing. Allele origin: germline.
Comment: This sequence change replaces asparagine, which is neutral and polar, with serine, which is neutral and polar, at codon 874 of the KCNMA1 protein (p.Asn874Ser). This variant is not present in population databases (gnomAD no frequency). This variant has not been reported in the literature in individuals affected with KCNMA1-related conditions. Advanced modeling of protein sequence and biophysical properties (such as structural, functional, and spatial information, amino acid conservation, physicochemical variation, residue mobility, and thermodynamic stability) performed at Invitae indicates that this missense variant is not expected to disrupt KCNMA1 protein function. Algorithms developed to predict the effect of sequence changes on RNA splicing suggest that this variant may disrupt the consensus splice site. In summary, the available evidence is currently insufficient to determine the role of this variant in disease. Therefore, it has been classified as a Variant of Uncertain Significance.